The following is an entry in ClinVar:

NC_000023.10:g.(?_117629935)_(119761021_?)del

Genes: AKAP14 (A-kinase anchoring protein 14; plus strand), ATP1B4 (ATPase Na+/K+ transporting family member beta 4; plus strand), C1GALT1C1 (C1GALT1 specific chaperone 1; minus strand), CUL4B (cullin 4B; minus strand), DOCK11 (dedicator of cytokinesis 11; plus strand) and 24 more. Cytogenetic location: Xq24.
Variant type: Deletion.
Identifiers: ClinVar variation 2424705 (VCV002424705.7).

ClinVar aggregate classification (germline): Pathogenic. Review status: criteria provided, single submitter (1 of 4 stars). 2 submissions from 1 submitter: Pathogenic (2). Last evaluated 2023-04-21.

Conditions:
X-linked intellectual disability Cabezas type (MRXSC). Also called: CABEZAS SYNDROME; MENTAL RETARDATION, X-LINKED, SYNDROMIC 15; Intellectual developmental disorder, X-linked syndromic, Cabezas type. Identifiers: Orphanet 85289, Orphanet 85293, MedGen C1845861, MONDO:0010306, OMIM 300354.
Intellectual developmental disorder, X-linked, syndromic 14. Also called: Syndromic X-linked intellectual disability 14. Identifiers: Orphanet 776, MedGen C1970822, MONDO:0010398, OMIM 300676.

Submissions (2):

Labcorp Genetics (formerly Invitae), Labcorp
Classification: Pathogenic for Intellectual developmental disorder, X-linked, syndromic 14. Last evaluated: 2023-04-21. Review status: criteria provided, single submitter. Criteria: Invitae Variant Classification Sherloc (09022015). Collection method: clinical testing. Allele origin: unknown.
Comment: For these reasons, this variant has been classified as Pathogenic. This variant has not been reported in the literature in individuals affected with UPF3B-related conditions. A gross deletion of the genomic region encompassing the full coding sequence of the UPF3B gene has been identified. Loss-of-function variants in UPF3B are known to be pathogenic (PMID: 17704778, 19238151). The boundaries of this event are unknown as they extend beyond the assayed region for this gene and therefore may encompass additional genes.

Labcorp Genetics (formerly Invitae), Labcorp
Classification: Pathogenic for X-linked intellectual disability Cabezas type. Last evaluated: 2022-07-23. Review status: criteria provided, single submitter. Criteria: Invitae Variant Classification Sherloc (09022015). Collection method: clinical testing. Allele origin: germline.
Comment: A gross deletion of the genomic region encompassing the full coding sequence of the CUL4B gene has been identified. Loss-of-function variants in CUL4B are known to be pathogenic (PMID: 17236139, 25385192). The boundaries of this event are unknown as they extend beyond the assayed region for this gene and therefore may encompass additional genes. This variant has not been reported in the literature in individuals affected with CUL4B-related conditions. For these reasons, this variant has been classified as Pathogenic.

Literature cited by the submitters: PubMed 17704778; PubMed 19238151; PubMed 17236139; PubMed 25385192.